The following is an entry in ClinVar:

NM_000143.4(FH):c.211C>T (p.Gln71Ter)

Gene: FH (fumarate hydratase; minus strand). Cytogenetic location: 1q43.
Variant type: single nucleotide variant.
Coding change: c.211C>T on transcript NM_000143.4 (MANE Select); coding-DNA position 211, C replaced by T.
Protein change: p.Gln71Ter; replaces glutamine 71 with a stop codon.
Molecular consequence: nonsense.
Genome position (GRCh38, 1-based): chr1:241,517,238, G>A on the plus strand (C>T on the coding strand, the complement: FH is on the minus strand). VCF-style: chr1-241517238-G-A. GRCh37 (hg19) VCF-style: chr1-241680538-G-A.
Other names: short protein forms Q71*.
Identifiers: ClinVar variation 2587056 (VCV002587056.3), dbSNP rs2527340288, ClinGen allele CA345441810.
Genomic context (GRCh38, chr1:241,517,238, plus strand): 5'-TTACTGGCATGCGTTCTGTCACACCTCCAATCTTAAAGTTCATCGTAGATCTCACGGTCT[G>A]GGCGCCATAATACTTATCATTTGGCACCTTTAGTTCACCAAAGGTATCATATTCTATCCG-3'

ClinVar aggregate classification (germline): Pathogenic. Review status: criteria provided, multiple submitters, no conflicts (2 of 4 stars). 2 submissions from 2 submitters: Pathogenic (2). Last evaluated 2024-11-12.

Conditions:
Hereditary cancer-predisposing syndrome. Also called: Hereditary Cancer Syndrome; Hereditary neoplastic syndrome; Neoplastic Syndromes, Hereditary; Tumor predisposition. Identifiers: Orphanet 140162, MedGen C0027672, MeSH D009386, MONDO:0015356.
Hereditary leiomyomatosis and renal cell cancer. Also called: MULTIPLE CUTANEOUS AND UTERINE LEIOMYOMATA 1, WITH OR WITHOUT RENAL CELL CARCINOMA; LEIOMYOMA, MULTIPLE CUTANEOUS; Multiple cutaneous leiomyomas; Reed syndrome; Multiple cutaneous and uterine leiomyomatosis; Cutaneous leiomyomata with uterine leiomyomata. Identifiers: Orphanet 523, MedGen C1708350, MONDO:0007888, OMIM 150800, HP:0007437. Disease mechanism: loss of function.

Submissions (2):

Myriad Genetics, Inc.
Classification: Pathogenic for Hereditary leiomyomatosis and renal cell cancer. Last evaluated: 2024-11-12. Review status: criteria provided, single submitter. Criteria: Myriad Autosomal Dominant, Autosomal Recessive and X-Linked Classification Criteria (2023). Collection method: clinical testing. Allele origin: unknown.
Comment: This variant is considered pathogenic. This variant creates a termination codon and is predicted to result in premature protein truncation.

Ambry Genetics
Classification: Pathogenic for Hereditary cancer-predisposing syndrome. Last evaluated: 2023-07-24. Review status: criteria provided, single submitter. Criteria: Ambry Variant Classification Scheme 2023. Collection method: clinical testing. Allele origin: germline.
Comment: The p.Q71* pathogenic mutation (also known as c.211C>T), located in coding exon 2 of the FH gene, results from a C to T substitution at nucleotide position 211. This changes the amino acid from a glutamine to a stop codon within coding exon 2. This alteration has been observed in at least one individual with a personal and/or family history that is consistent with FH-related disease (Ambry internal data). This variant is considered to be rare based on population cohorts in the Genome Aggregation Database (gnomAD). This alteration is expected to result in loss of function by premature protein truncation or nonsense-mediated mRNA decay. As such, this alteration is interpreted as a disease-causing mutation.